The following is an entry in ClinVar:

NM_005956.4(MTHFD1):c.1200T>A (p.His400Gln)

Gene: MTHFD1 (methylenetetrahydrofolate dehydrogenase, cyclohydrolase and formyltetrahydrofolate synthetase 1; plus strand). Cytogenetic location: 14q23.3.
Variant type: single nucleotide variant.
Coding change: c.1200T>A on transcript NM_005956.4 (MANE Select); coding-DNA position 1200, T replaced by A.
Protein change: p.His400Gln; replaces histidine 400 with glutamine.
Molecular consequence: missense variant.
Genome position (GRCh38, 1-based): chr14:64,427,409, T>A. VCF-style: chr14-64427409-T-A. GRCh37 (hg19) VCF-style: chr14-64894127-T-A.
Other names: c.1200T>A, p.His400Gln (NM_001364837.1); short protein forms H400Q.
Identifiers: ClinVar variation 1505134 (VCV001505134.7), dbSNP rs375837754, ClinGen allele CA7226159.

ClinVar aggregate classification (germline): Uncertain significance (1 of 4 stars; one submission).

Allele frequency attached by ClinVar (database versions not stated): gnomAD exomes 0.00001; TOPMed 0.00001; ExAC 0.00002; gnomAD 0.00002; ESP Exome Variant Server 0.00008.
gnomAD v4.1: 15 of 1,614,030 alleles (0.00093%); highest among the groups gnomAD compares: Non-Finnish European, 0.0012%; no homozygotes.

Submission:

Labcorp Genetics (formerly Invitae), Labcorp
Classification: Uncertain significance. Last evaluated: 2022-06-27. Review status: criteria provided, single submitter. Criteria: Invitae Variant Classification Sherloc (09022015). Collection method: clinical testing. Allele origin: germline.
Comment: This sequence change replaces histidine, which is basic and polar, with glutamine, which is neutral and polar, at codon 400 of the MTHFD1 protein (p.His400Gln). This variant is present in population databases (rs375837754, gnomAD 0.002%). In summary, the available evidence is currently insufficient to determine the role of this variant in disease. Therefore, it has been classified as a Variant of Uncertain Significance. Algorithms developed to predict the effect of missense changes on protein structure and function are either unavailable or do not agree on the potential impact of this missense change (SIFT: "Deleterious"; PolyPhen-2: "Benign"; Align-GVGD: "Class C0"). This variant has not been reported in the literature in individuals affected with MTHFD1-related conditions.